The following is an entry in ClinVar:

ClinVar aggregate classification (germline): Uncertain significance. Review status: criteria provided, multiple submitters, no conflicts (2 of 4 stars). 2 submissions from 2 submitters: Uncertain significance (2). Last evaluated 2024-10-04.

Conditions:
Intellectual developmental disorder, autosomal dominant 1. Also called: Intellectual disability, autosomal dominant 1; MBD5 Haploinsufficiency. Identifiers: Orphanet 228402, MedGen C1969562, MONDO:0007974, OMIM 156200.

Allele frequency attached by ClinVar (database versions not stated): TOPMed 0.00001; gnomAD 0.00001.
gnomAD v4.1: 12 of 1,613,954 alleles (0.00074%); highest among the groups gnomAD compares: Non-Finnish European, 0.00093%; no homozygotes.

Submissions (2):

Labcorp Genetics (formerly Invitae), Labcorp
Classification: Uncertain significance for Intellectual developmental disorder, autosomal dominant 1. Last evaluated: 2024-10-04. Review status: criteria provided, single submitter. Criteria: Invitae Variant Classification Sherloc (09022015). Collection method: clinical testing. Allele origin: germline.
Comment: This sequence change replaces valine, which is neutral and non-polar, with isoleucine, which is neutral and non-polar, at codon 394 of the MBD5 protein (p.Val394Ile). This variant is not present in population databases (gnomAD no frequency). This variant has not been reported in the literature in individuals affected with MBD5-related conditions. ClinVar contains an entry for this variant (Variation ID: 871536). Invitae Evidence Modeling of protein sequence and biophysical properties (such as structural, functional, and spatial information, amino acid conservation, physicochemical variation, residue mobility, and thermodynamic stability) has been performed for this missense variant. However, the output from this modeling did not meet the statistical confidence thresholds required to predict the impact of this variant on MBD5 protein function. In summary, the available evidence is currently insufficient to determine the role of this variant in disease. Therefore, it has been classified as a Variant of Uncertain Significance.

CeGaT Center for Human Genetics Tuebingen
Classification: Uncertain significance. Last evaluated: 2019-10-01. Review status: criteria provided, single submitter. Criteria: CeGaT Center For Human Genetics Tuebingen Variant Classification Criteria Version 2. Collection method: clinical testing. Allele origin: germline. Affected: yes. Observed: 1 variant allele.

NM_001378120.1(MBD5):c.1180G>A (p.Val394Ile)

Gene: MBD5 (methyl-CpG binding domain protein 5; plus strand). Cytogenetic location: 2q23.1.
Variant type: single nucleotide variant.
Coding change: c.1180G>A on transcript NM_001378120.1 (MANE Select); coding-DNA position 1180, G replaced by A.
Protein change: p.Val394Ile; replaces valine 394 with isoleucine.
Molecular consequence: missense variant.
Genome position (GRCh38, 1-based): chr2:148,469,123, G>A. VCF-style: chr2-148469123-G-A. GRCh37 (hg19) VCF-style: chr2-149226692-G-A.
Other names: c.1180G>A, p.Val394Ile (NM_018328.5); short protein forms V394I.
Identifiers: ClinVar variation 871536 (VCV000871536.43), dbSNP rs1411951713, ClinGen allele CA348719138.